The following is an entry in ClinVar:

ClinVar aggregate classification (germline): Conflicting classifications of pathogenicity. Review status: criteria provided, conflicting classifications (1 of 4 stars). 4 submissions from 4 submitters: Uncertain significance (1); Benign (1); Likely benign (2). Last evaluated 2026-01-12.

Conditions:
Oculocutaneous albinism type 3 (OCA3). Also called: Albinism, oculocutaneous, type III; RUFOUS OCULOCUTANEOUS ALBINISM; XANTHISM; ALBINISM III; Rufous OCA; Rufous albinism. Identifiers: Orphanet 79433, MedGen C0342683, MONDO:0008747, OMIM 203290.

Allele frequency attached by ClinVar (database versions not stated): gnomAD 0.00030 and 0.00032; TOPMed 0.00036; ExAC 0.00052; ESP Exome Variant Server 0.00054.
gnomAD v4.1: 540 of 1,610,460 alleles (0.034%); highest among the groups gnomAD compares: Middle Eastern, 0.016%; 2 homozygotes.

Submissions (4):

Labcorp Genetics (formerly Invitae), Labcorp
Classification: Benign. Last evaluated: 2026-01-12. Review status: criteria provided, single submitter. Criteria: Invitae Variant Classification Sherloc (09022015). Collection method: clinical testing. Allele origin: germline.

Blueprint Genetics
Classification: Likely benign. Last evaluated: 2024-02-27. Review status: criteria provided, single submitter. Criteria: ACMG Guidelines, 2015. Collection method: clinical testing. Allele origin: germline.

Illumina Laboratory Services, Illumina
Classification: Uncertain significance for Oculocutaneous albinism type 3. Last evaluated: 2018-01-13. Review status: criteria provided, single submitter. Criteria: ICSL Variant Classification Criteria 13 December 2019. Collection method: clinical testing. Allele origin: germline.

GeneDx
Classification: Likely benign. Last evaluated: 2016-02-27. Review status: criteria provided, single submitter. Criteria: GeneDx Variant Classification (06012015). Collection method: clinical testing. Allele origin: germline. Affected: yes.
Comment: This variant is considered likely benign or benign based on one or more of the following criteria: it is a conservative change, it occurs at a poorly conserved position in the protein, it is predicted to be benign by multiple in silico algorithms, and/or has population frequency not consistent with disease.

NM_000550.3(TYRP1):c.1263T>C (p.Asp421=)

Genes: LURAP1L-AS1 (LURAP1L antisense RNA 1; minus strand), TYRP1 (tyrosinase related protein 1; plus strand). Cytogenetic location: 9p23.
Variant type: single nucleotide variant.
Coding change: c.1263T>C on transcript NM_000550.3 (MANE Select); coding-DNA position 1263, T replaced by C.
Protein change: p.Asp421=; no amino-acid change (aspartic acid 421 retained).
Molecular consequence: synonymous variant.
Genome position (GRCh38, 1-based): chr9:12,707,998, T>C. VCF-style: chr9-12707998-T-C. GRCh37 (hg19) VCF-style: chr9-12707998-T-C.
Identifiers: ClinVar variation 384337 (VCV000384337.14), dbSNP rs150370598, ClinGen allele CA4985512.